The following is an entry in ClinVar:

NM_001303256.3(MORC2):c.1576T>C (p.Ser526Pro)

Gene: MORC2 (MORC family CW-type zinc finger 2; minus strand). Cytogenetic location: 22q12.2.
Variant type: single nucleotide variant.
Coding change: c.1576T>C on transcript NM_001303256.3 (MANE Select); coding-DNA position 1576, T replaced by C.
Protein change: p.Ser526Pro; replaces serine 526 with proline.
Molecular consequence: missense variant.
Genome position (GRCh38, 1-based): chr22:30,936,960, A>G on the plus strand (T>C on the coding strand, the complement: MORC2 is on the minus strand). VCF-style: chr22-30936960-A-G. GRCh37 (hg19) VCF-style: chr22-31332947-A-G.
Other names: c.1390T>C, p.Ser464Pro (NM_014941.3); c.1576T>C, p.Ser526Pro (NM_001303257.2); short protein forms S526P, S464P.
Identifiers: ClinVar variation 2174176 (VCV002174176.4), dbSNP rs2517586177, ClinGen allele CA411237455.

ClinVar aggregate classification (germline): Uncertain significance (1 of 4 stars; one submission).

Conditions:
Charcot-Marie-Tooth disease axonal type 2Z. Also called: CHARCOT-MARIE-TOOTH DISEASE, AXONAL, AUTOSOMAL DOMINANT, TYPE 2Z; CHARCOT-MARIE-TOOTH NEUROPATHY, TYPE 2Z. Identifiers: Orphanet 466768, MedGen C5569025, MONDO:0014736, OMIM 616688.

Submission:

Labcorp Genetics (formerly Invitae), Labcorp
Classification: Uncertain significance for Charcot-Marie-Tooth disease axonal type 2Z. Last evaluated: 2022-06-15. Review status: criteria provided, single submitter. Criteria: Invitae Variant Classification Sherloc (09022015). Collection method: clinical testing. Allele origin: germline.
Comment: This variant is not present in population databases (gnomAD no frequency). This variant has not been reported in the literature in individuals affected with MORC2-related conditions. This sequence change replaces serine, which is neutral and polar, with proline, which is neutral and non-polar, at codon 526 of the MORC2 protein (p.Ser526Pro). In summary, the available evidence is currently insufficient to determine the role of this variant in disease. Therefore, it has been classified as a Variant of Uncertain Significance. Advanced modeling of protein sequence and biophysical properties (such as structural, functional, and spatial information, amino acid conservation, physicochemical variation, residue mobility, and thermodynamic stability) performed at Invitae indicates that this missense variant is expected to disrupt MORC2 protein function.